The following is an entry in ClinVar:

ClinVar aggregate classification (germline): Uncertain significance (1 of 4 stars; one submission).

Conditions:
Hereditary cancer-predisposing syndrome. Also called: Neoplastic Syndromes, Hereditary; Tumor predisposition; Hereditary neoplastic syndrome; Hereditary Cancer Syndrome. Identifiers: Orphanet 140162, MedGen C0027672, MeSH D009386, MONDO:0015356.

Submission:

Ambry Genetics
Classification: Uncertain significance for Hereditary cancer-predisposing syndrome. Last evaluated: 2026-07-07. Review status: criteria provided, single submitter. Criteria: Ambry Variant Classification Scheme 2023. Collection method: clinical testing. Allele origin: germline.
Comment: The p.A843G variant (also known as c.2528C>G), located in coding exon 17 of the SMARCA4 gene, results from a C to G substitution at nucleotide position 2528. The alanine at codon 843 is replaced by glycine, an amino acid with similar properties. This amino acid position is conserved. In addition, the in silico prediction for this alteration is inconclusive. Based on the available evidence, the clinical significance of this variant remains unclear.

NM_003072.5(SMARCA4):c.2528C>G (p.Ala843Gly)

Gene: SMARCA4 (SWI/SNF related BAF chromatin remodeling complex subunit ATPase 4; plus strand). Cytogenetic location: 19p13.2.
Variant type: single nucleotide variant.
Coding change: c.2528C>G on transcript NM_003072.5 (MANE Select); coding-DNA position 2528, C replaced by G.
Protein change: p.Ala843Gly; replaces alanine 843 with glycine.
Molecular consequence: missense variant. On other transcripts: non-coding transcript variant (1).
Genome position (GRCh38, 1-based): chr19:11,019,613, C>G. VCF-style: chr19-11019613-C-G. GRCh37 (hg19) VCF-style: chr19-11130289-C-G.
Other names: c.2528C>G, p.Ala843Gly (NM_001128844.3, NM_001128845.2, NM_001128846.2 and 6 more transcripts); short protein forms A843G.
Identifiers: ClinVar variation 5029843 (VCV005029843.1).
Genomic context (GRCh38, chr19:11,019,613, plus strand): 5'-CTCCAAAAGCCGAGCTGTGCATCCTGCTTCCCTTGCAGGGATCCCCAGCAGCAAGACGGG[C>G]CTTTGTCCCCCAGCTCCGGAGTGGGAAGTTCAACGTCTTGCTGACGACGTACGAGTACAT-3'
Protein context (NP_003063.2, residues 833-853): SYKGSPAARR[Ala843Gly]FVPQLRSGKF